The following is an entry in ClinVar:

ClinVar aggregate classification (germline): Uncertain significance (1 of 4 stars; one submission).

Submission:

Labcorp Genetics (formerly Invitae), Labcorp
Classification: Uncertain significance. Last evaluated: 2023-05-01. Review status: criteria provided, single submitter. Criteria: Invitae Variant Classification Sherloc (09022015). Collection method: clinical testing. Allele origin: germline.
Comment: In summary, the available evidence is currently insufficient to determine the role of this variant in disease. Therefore, it has been classified as a Variant of Uncertain Significance. An algorithm developed to predict the effect of missense changes on protein structure and function (PolyPhen-2) suggests that this variant is likely to be tolerated. This variant has not been reported in the literature in individuals affected with PPP2CA-related conditions. This variant is not present in population databases (gnomAD no frequency). This sequence change replaces isoleucine, which is neutral and non-polar, with threonine, which is neutral and polar, at codon 14 of the PPP2CA protein (p.Ile14Thr).

NM_002715.4(PPP2CA):c.41T>C (p.Ile14Thr)

Genes: PPP2CA (protein phosphatase 2 catalytic subunit alpha; minus strand), MIR3661 (microRNA 3661; plus strand). Cytogenetic location: 5q31.1.
Variant type: single nucleotide variant.
Coding change: c.41T>C on transcript NM_002715.4 (MANE Select); coding-DNA position 41, T replaced by C.
Protein change: p.Ile14Thr; replaces isoleucine 14 with threonine.
Molecular consequence: missense variant. On other transcripts: non-coding transcript variant (1).
Genome position (GRCh38, 1-based): chr5:134,225,821, A>G on the plus strand (T>C on the coding strand, the complement: PPP2CA is on the minus strand). VCF-style: chr5-134225821-A-G. GRCh37 (hg19) VCF-style: chr5-133561512-A-G.
Other names: short protein forms I14T.
Identifiers: ClinVar variation 2861041 (VCV002861041.3), dbSNP rs2481101927, ClinGen allele CA360996100.